The following is an entry in ClinVar:

ClinVar aggregate classification (germline): Uncertain significance. Review status: criteria provided, multiple submitters, no conflicts (2 of 4 stars). 2 submissions from 2 submitters: Uncertain significance (2). Last evaluated 2024-11-05.

Conditions:
Inborn genetic diseases. Identifiers: MedGen C0950123, MeSH D030342.

Submissions (2):

Dasa
Classification: Uncertain significance. Last evaluated: 2024-11-05. Review status: criteria provided, single submitter. Criteria: DASA Assertion Criteria. Collection method: clinical testing. Allele origin: germline.
Comment: NM_014141.6(CNTNAP2):c.325T>C (p.Trp109Arg) is a missense variant that results in the substitution of tryptophan with arginine. This variant is absent from population databases. Computational prediction algorithms are consistent with a deleterious effect. The currently available literature and clinical evidence are not sufficient to establish a definitive association between this variant and the reported condition. Therefore, this variant is classified as a variant of uncertain significance.

Ambry Genetics
Classification: Uncertain significance for Inborn genetic diseases. Last evaluated: 2017-10-13. Review status: criteria provided, single submitter. Criteria: Ambry Variant Classification Scheme 2023. Collection method: clinical testing. Allele origin: germline.
Comment: The p.W109R variant (also known as c.325T>C), located in coding exon 3 of the CNTNAP2 gene, results from a T to C substitution at nucleotide position 325. The tryptophan at codon 109 is replaced by arginine, an amino acid with dissimilar properties. This amino acid position is highly conserved in available vertebrate species. In addition, this alteration is predicted to be deleterious by in silico analysis. Since supporting evidence is limited at this time, the clinical significance of this alteration remains unclear.

NM_014141.6(CNTNAP2):c.325T>C (p.Trp109Arg)

Gene: CNTNAP2 (contactin associated protein 2; plus strand). Cytogenetic location: 7q35.
Variant type: single nucleotide variant.
Coding change: c.325T>C on transcript NM_014141.6 (MANE Select); coding-DNA position 325, T replaced by C.
Protein change: p.Trp109Arg; replaces tryptophan 109 with arginine.
Molecular consequence: missense variant.
Genome position (GRCh38, 1-based): chr7:146,839,827, T>C. VCF-style: chr7-146839827-T-C. GRCh37 (hg19) VCF-style: chr7-146536919-T-C.
Other names: short protein forms W109R.
Identifiers: ClinVar variation 1729524 (VCV001729524.4), dbSNP rs112643046, ClinGen allele CA369922716.
Genomic context (GRCh38, chr7:146,839,827, plus strand): 5'-TTTGGCAATCGGAAGCAGATCAGTGCCATTGCAACCCAAGGAAGGTATAGCAGCTCAGAT[T>C]GGGTGACCCAATACCGGATGCTCTACAGCGACACAGGGAGAAACTGGAAACCCTATCATC-3'
Protein context (NP_054860.1, residues 99-119): ATQGRYSSSD[Trp109Arg]VTQYRMLYSD